The following is an entry in ClinVar:

NM_000284.4(PDHA1):c.784G>A (p.Val262Ile)

Gene: PDHA1 (pyruvate dehydrogenase E1 subunit alpha 1; plus strand). Cytogenetic location: Xp22.12.
Variant type: single nucleotide variant.
Coding change: c.784G>A on transcript NM_000284.4 (MANE Select); coding-DNA position 784, G replaced by A.
Protein change: p.Val262Ile; replaces valine 262 with isoleucine.
Molecular consequence: missense variant.
Genome position (GRCh38, 1-based): chrX:19,355,710, G>A. VCF-style: chrX-19355710-G-A. GRCh37 (hg19) VCF-style: chrX-19373828-G-A.
Other names: p.V262I:GTC>ATC; c.898G>A, p.Val300Ile (NM_001173454.2); c.805G>A, p.Val269Ile (NM_001173455.2); c.691G>A, p.Val231Ile (NM_001173456.2); c.898G>A (NM_001173454.1); short protein forms V262I, V231I, V269I, V300I.
Identifiers: ClinVar variation 208783 (VCV000208783.25), dbSNP rs202166915, ClinGen allele CA204901.
Genomic context (GRCh38, chrX:19,355,710, plus strand): 5'-GGATTCATGCTTCGCCCCTCCCCTGTTTATTACCAGGTGGATGGAATGGATATCCTGTGC[G>A]TCCGAGAGGCAACAAGGTTTGCTGCTGCCTATTGTAGATCTGGGAAGGTAAGGCTCTAAA-3'
Protein context (NP_000275.1, residues 252-272): LRVDGMDILC[Val262Ile]REATRFAAAY

ClinVar aggregate classification (germline): Benign/Likely benign. Review status: criteria provided, multiple submitters, no conflicts (2 of 4 stars). 5 submissions from 5 submitters: Benign (3); Likely benign (1). 1 of the submissions does not count toward it. Last evaluated 2026-01-20.

Conditions:
Inborn genetic diseases. Identifiers: MedGen C0950123, MeSH D030342.
Pyruvate dehydrogenase E1-alpha deficiency (PDHAD). Also called: ATAXIA, INTERMITTENT, WITH PYRUVATE DEHYDROGENASE DEFICIENCY; ATAXIA WITH LACTIC ACIDOSIS I; ATAXIA, INTERMITTENT, WITH ABNORMAL PYRUVATE METABOLISM; Ataxia, intermittent, with pyruvate dehydrogenase, or decarboxylase, deficiency. Identifiers: Orphanet 79243, MedGen C1839413, MONDO:0010717, OMIM 312170.
PDHA1-related disorder. Also called: PDHA1-related condition.

Allele frequency attached by ClinVar (database versions not stated): ESP Exome Variant Server 0.00009; gnomAD exomes 0.00015 and 0.00028; gnomAD 0.00018; TOPMed 0.00025; ExAC 0.00026.
gnomAD v4.1: 198 of 1,208,056 alleles (0.016%); highest among the groups gnomAD compares: Middle Eastern, 0.023%; no homozygotes.

Submissions (5):

Labcorp Genetics (formerly Invitae), Labcorp
Classification: Benign for Pyruvate dehydrogenase E1-alpha deficiency. Last evaluated: 2026-01-20. Review status: criteria provided, single submitter. Criteria: Invitae Variant Classification Sherloc (09022015). Collection method: clinical testing. Allele origin: germline.

GeneDx
Classification: Likely benign. Last evaluated: 2019-05-06. Review status: criteria provided, single submitter. Criteria: GeneDx Variant Classification Process June 2021. Collection method: clinical testing. Allele origin: germline. Affected: yes.

Ambry Genetics
Classification: Benign for Inborn genetic diseases. Last evaluated: 2018-11-28. Review status: criteria provided, single submitter. Criteria: Ambry Variant Classification Scheme 2023. Collection method: clinical testing. Allele origin: germline.

Illumina Laboratory Services, Illumina
Classification: Benign for Pyruvate dehydrogenase E1-alpha deficiency. Last evaluated: 2018-01-12. Review status: criteria provided, single submitter. Criteria: ICSL Variant Classification Criteria 13 December 2019. Collection method: clinical testing. Allele origin: germline.
Comment: This variant was observed in the ICSL laboratory as part of a predisposition screen in an ostensibly healthy population. It had not been previously curated by ICSL or reported in the Human Gene Mutation Database (HGMD: prior to June 1st, 2018), and was therefore a candidate for classification through an automated scoring system. Utilizing variant allele frequency, disease prevalence and penetrance estimates, and inheritance mode, an automated score was calculated to assess if this variant is too frequent to cause the disease. Based on the score and internal cut-off values, a variant classified as benign is not then subjected to further curation. The score for this variant resulted in a classification of benign for this disease.

PreventionGenetics, part of Exact Sciences
Classification: Benign for PDHA1-related condition. Last evaluated: 2023-06-16. Review status: no assertion criteria provided. Collection method: clinical testing. Allele origin: germline. Not counted in ClinVar's aggregate classification.
Comment: This variant is classified as benign based on ACMG/AMP sequence variant interpretation guidelines (Richards et al. 2015 PMID: 25741868, with internal and published modifications).